The following is an entry in ClinVar:

ClinVar aggregate classification (germline): Benign/Likely benign. Review status: criteria provided, multiple submitters, no conflicts (2 of 4 stars). 10 submissions from 10 submitters: Benign (5); Likely benign (2). 3 of the submissions do not count toward it. Last evaluated 2026-07-01.

Conditions:
TTN-related disorder. Also called: TTN-related disorders; TTN-related condition; TTN-related disease.

Allele frequency attached by ClinVar (database versions not stated): 1000 Genomes Project 30x 0.00390; TOPMed 0.00457; ESP Exome Variant Server 0.00423; ExAC 0.00119; 1000 Genomes Project 0.00359.

Submissions (10):

CeGaT Center for Human Genetics Tuebingen
Classification: Benign. Last evaluated: 2026-07-01. Review status: criteria provided, single submitter. Criteria: CeGaT Center For Human Genetics Tuebingen Variant Classification Criteria Version 2. Collection method: clinical testing. Allele origin: germline. Affected: yes. Observed: 3 variant alleles.
Comment: TTN: BP4, BS1, BS2

Molecular Diagnostic Laboratory for Inherited Cardiovascular Disease, Montreal Heart Institute
Classification: Likely benign. Last evaluated: 2025-04-09. Review status: criteria provided, single submitter. Criteria: ACMG Guidelines, 2015. Collection method: clinical testing. Allele origin: germline. Affected: no.

ARUP Laboratories, Molecular Genetics and Genomics, ARUP Laboratories
Classification: Benign. Last evaluated: 2024-12-12. Review status: criteria provided, single submitter. Criteria: ARUP Molecular Germline Variant Investigation Process 2024. Collection method: clinical testing. Allele origin: germline.

Blueprint Genetics
Classification: Likely benign. Last evaluated: 2024-10-09. Review status: criteria provided, single submitter. Criteria: ACMG Guidelines, 2015. Collection method: clinical testing. Allele origin: germline.

GeneDx
Classification: Benign. Last evaluated: 2014-10-08. Review status: criteria provided, single submitter. Criteria: GeneDx Variant Classification (06012015). Collection method: clinical testing. Allele origin: germline. Affected: yes.
Comment: This variant is considered likely benign or benign based on one or more of the following criteria: it is a conservative change, it occurs at a poorly conserved position in the protein, it is predicted to be benign by multiple in silico algorithms, and/or has population frequency not consistent with disease.

Biesecker Lab/Clinical Genomics Section, National Institutes of Health
Classification: Benign. Last evaluated: 2013-06-24. Review status: criteria provided, single submitter. Criteria: Ng et al. (Circ Cardiovasc Genet. 2013). Collection method: research. Allele origin: unknown. Observed: 3 variant alleles. Study: ClinSeq.
Comment: The study set was not selected for affection status in relation to any cancer. Pathogenicity categories were based on literature curation. See Pubmed ID:23861362 for details.

Medical sequencing

Laboratory for Molecular Medicine, Mass General Brigham Personalized Medicine
Classification: Benign. Last evaluated: 2012-03-02. Review status: criteria provided, single submitter. Criteria: LMM Criteria. Collection method: clinical testing. Allele origin: germline. Observed: 11 variant alleles.
Comment: Ala4545Thr in exon 45A of TTN: This variant is not expected to have clinical sig nificance because it has been identified in 1.3% (47/3734) of African American c hromosomes from a broad population by the NHLBI Exome Sequencing Project (dbSNP rs147884688).

PreventionGenetics, part of Exact Sciences
Classification: Benign for TTN-related condition. Last evaluated: 2019-05-29. Review status: no assertion criteria provided. Collection method: clinical testing. Allele origin: germline. Not counted in ClinVar's aggregate classification.
Comment: This variant is classified as benign based on ACMG/AMP sequence variant interpretation guidelines (Richards et al. 2015 PMID: 25741868, with internal and published modifications).

Clinical Genetics, Academic Medical Center
Classification: Benign. Review status: no assertion criteria provided. Collection method: clinical testing. Allele origin: germline. Affected: yes. Study: VKGL Data-share Consensus. Not counted in ClinVar's aggregate classification.

Joint Genome Diagnostic Labs from Nijmegen and Maastricht, Radboudumc and MUMC+
Classification: Benign. Review status: no assertion criteria provided. Collection method: clinical testing. Allele origin: germline. Affected: yes. Study: VKGL Data-share Consensus. Not counted in ClinVar's aggregate classification.

NM_133379.5(TTN):c.13633G>A (p.Ala4545Thr)

Gene: TTN (titin; minus strand). Cytogenetic location: 2q31.2.
Variant type: single nucleotide variant.
Coding change: c.13633G>A on transcript NM_133379.5; coding-DNA position 13633, G replaced by A.
Protein change: p.Ala4545Thr; replaces alanine 4545 with threonine.
Molecular consequence: missense variant. On other transcripts: intron variant (6).
Genome position (GRCh38, 1-based): chr2:178,748,767, C>T on the plus strand (G>A on the coding strand, the complement: TTN is on the minus strand). VCF-style: chr2-178748767-C-T. GRCh37 (hg19) VCF-style: chr2-179613494-C-T.
Other names: p.A4545T:GCA>ACA; c.10360+4357G>A (NM_133378.4, NM_001256850.1); c.10222+4357G>A (NM_003319.4); c.10798+4357G>A (NM_133437.4); c.10597+4357G>A (NM_133432.3); c.11311+4357G>A (NM_001267550.2); c.13633G>A (NM_133379.4); short protein forms A4545T.
Identifiers: ClinVar variation 47759 (VCV000047759.41), dbSNP rs147884688, ClinGen allele CA284464.